The following is an entry in ClinVar:

ClinVar aggregate classification (germline): Uncertain significance. Review status: criteria provided, multiple submitters, no conflicts (2 of 4 stars). 2 submissions from 2 submitters: Uncertain significance (2). Last evaluated 2025-01-19.

Conditions:
Long QT syndrome (LQTS). Identifiers: MedGen C0023976, MeSH D008133, MONDO:0002442. Disease mechanism: loss of function. Inheritance: Various modes of inheritance.
Cardiovascular phenotype. Identifiers: MedGen CN230736.

Allele frequency attached by ClinVar (database versions not stated): gnomAD exomes 0.00001; TOPMed 0.00001.
gnomAD v4.1: 15 of 1,614,140 alleles (0.00093%); highest among the groups gnomAD compares: Admixed American, 0.0033%; no homozygotes.

Submissions (2):

Labcorp Genetics (formerly Invitae), Labcorp
Classification: Uncertain significance for Long QT syndrome. Last evaluated: 2025-01-19. Review status: criteria provided, single submitter. Criteria: Invitae Variant Classification Sherloc (09022015). Collection method: clinical testing. Allele origin: germline.
Comment: This sequence change replaces arginine, which is basic and polar, with glycine, which is neutral and non-polar, at codon 2106 of the ANK2 protein (p.Arg2106Gly). This variant is not present in population databases (gnomAD no frequency). This variant has not been reported in the literature in individuals affected with ANK2-related conditions. ClinVar contains an entry for this variant (Variation ID: 1061396). An algorithm developed to predict the effect of missense changes on protein structure and function outputs the following: PolyPhen-2: "Benign". The glycine amino acid residue is found in multiple mammalian species, which suggests that this missense change does not adversely affect protein function. In summary, the available evidence is currently insufficient to determine the role of this variant in disease. Therefore, it has been classified as a Variant of Uncertain Significance.

Ambry Genetics
Classification: Uncertain significance for Cardiovascular phenotype. Last evaluated: 2023-10-04. Review status: criteria provided, single submitter. Criteria: Ambry Variant Classification Scheme 2023. Collection method: clinical testing. Allele origin: germline.

NM_001148.6(ANK2):c.6316A>G (p.Arg2106Gly)

Genes: ANK2 (ankyrin 2; plus strand), LOC126807136 (MED14-independent group 3 enhancer GRCh37_chr4:114274931-114276130; plus strand). Cytogenetic location: 4q26.
Variant type: single nucleotide variant.
Coding change: c.6316A>G on transcript NM_001148.6 (MANE Select); coding-DNA position 6316, A replaced by G.
Protein change: p.Arg2106Gly; replaces arginine 2106 with glycine.
Molecular consequence: missense variant. On other transcripts: intron variant (68).
Genome position (GRCh38, 1-based): chr4:113,354,934, A>G. VCF-style: chr4-113354934-A-G. GRCh37 (hg19) VCF-style: chr4-114276090-A-G.
Other names: c.6082A>G, p.Arg2028Gly (NM_001386142.1); c.2716A>G, p.Arg906Gly (NM_001386166.1); c.6457A>G, p.Arg2153Gly (NM_001386174.1); c.6433A>G, p.Arg2145Gly (NM_001386175.1); c.4411+4685A>G (NM_001386186.2, NM_001386148.2); c.4213+4685A>G (NM_001354269.3); c.4291+4685A>G (NM_001386187.2); c.4252+4685A>G (NM_001386147.1); and 35 more; short protein forms R2028G, R2106G, R2145G, R2153G, R906G.
Identifiers: ClinVar variation 1061396 (VCV001061396.7), dbSNP rs1004588860, ClinGen allele CA103813341.